The following is an entry in ClinVar:

ClinVar aggregate classification (germline): Uncertain significance (1 of 4 stars; one submission).

Submission:

Labcorp Genetics (formerly Invitae), Labcorp
Classification: Uncertain significance. Last evaluated: 2025-06-12. Review status: criteria provided, single submitter. Criteria: Invitae Variant Classification Sherloc (09022015). Collection method: clinical testing. Allele origin: germline.
Comment: This sequence change replaces threonine, which is neutral and polar, with alanine, which is neutral and non-polar, at codon 442 of the WFS1 protein (p.Thr442Ala). This variant is not present in population databases (gnomAD no frequency). This variant has not been reported in the literature in individuals affected with WFS1-related conditions. ClinVar contains an entry for this variant (Variation ID: 3637005). Invitae Evidence Modeling of protein sequence and biophysical properties (such as structural, functional, and spatial information, amino acid conservation, physicochemical variation, residue mobility, and thermodynamic stability) indicates that this missense variant is not expected to disrupt WFS1 protein function with a negative predictive value of 95%. In summary, the available evidence is currently insufficient to determine the role of this variant in disease. Therefore, it has been classified as a Variant of Uncertain Significance.

NM_006005.3(WFS1):c.1324A>G (p.Thr442Ala)

Gene: WFS1 (wolframin ER transmembrane glycoprotein; plus strand). Cytogenetic location: 4p16.1.
Variant type: single nucleotide variant.
Coding change: c.1324A>G on transcript NM_006005.3 (MANE Select); coding-DNA position 1324, A replaced by G.
Protein change: p.Thr442Ala; replaces threonine 442 with alanine.
Molecular consequence: missense variant.
Genome position (GRCh38, 1-based): chr4:6,301,119, A>G. VCF-style: chr4-6301119-A-G. GRCh37 (hg19) VCF-style: chr4-6302846-A-G.
Other names: c.1324A>G, p.Thr442Ala (NM_001145853.1); short protein forms T442A.
Identifiers: ClinVar variation 3637005 (VCV003637005.2).